The following is an entry in ClinVar:

NM_006231.4(POLE):c.5436C>G (p.Ile1812Met)

Gene: POLE (DNA polymerase epsilon, catalytic subunit; minus strand). Cytogenetic location: 12q24.33.
Variant type: single nucleotide variant.
Coding change: c.5436C>G on transcript NM_006231.4 (MANE Select); coding-DNA position 5436, C replaced by G.
Protein change: p.Ile1812Met; replaces isoleucine 1812 with methionine.
Molecular consequence: missense variant.
Genome position (GRCh38, 1-based): chr12:132,639,241, G>C on the plus strand (C>G on the coding strand, the complement: POLE is on the minus strand). VCF-style: chr12-132639241-G-C. GRCh37 (hg19) VCF-style: chr12-133215827-G-C.
Other names: short protein forms I1812M.
Identifiers: ClinVar variation 4862295 (VCV004862295.1).
Genomic context (GRCh38, chr12:132,639,241, plus strand): 5'-AAGCAGAGAGGATGGCGACCGAAGCCAGCGGTAGAAGTGCATCACCTGGTTGTCTGCATA[G>C]ATGTTGTGGTACTGGGTGATCTCCTTCACCCAGCCCACGACCATGCTCTTCAGGATCCTG-3'
Protein context (NP_006222.2, residues 1802-1822): WVKEITQYHN[Ile1812Met]YADNQVMHFY

ClinVar aggregate classification (germline): Uncertain significance (1 of 4 stars; one submission).

Conditions:
Hereditary cancer-predisposing syndrome. Also called: Neoplastic Syndromes, Hereditary; Tumor predisposition; Hereditary Cancer Syndrome; Hereditary neoplastic syndrome. Identifiers: Orphanet 140162, MedGen C0027672, MeSH D009386, MONDO:0015356.

Submission:

Ambry Genetics
Classification: Uncertain significance for Hereditary cancer-predisposing syndrome. Last evaluated: 2026-05-01. Review status: criteria provided, single submitter. Criteria: Ambry Variant Classification Scheme 2023. Collection method: clinical testing. Allele origin: germline.
Comment: The p.I1812M variant (also known as c.5436C>G), located in coding exon 40 of the POLE gene, results from a C to G substitution at nucleotide position 5436. The isoleucine at codon 1812 is replaced by methionine, an amino acid with highly similar properties. This amino acid position is conserved. In addition, this alteration is predicted to be tolerated by in silico analysis. Based on the available evidence, the clinical significance of this variant remains unclear.